The following is an entry in ClinVar:

NM_001384140.1(PCDH15):c.3909C>A (p.Tyr1303Ter)

Gene: PCDH15 (protocadherin related 15; minus strand). Cytogenetic location: 10q21.1.
Variant type: single nucleotide variant.
Coding change: c.3909C>A on transcript NM_001384140.1 (MANE Select); coding-DNA position 3909, C replaced by A.
Protein change: p.Tyr1303Ter; replaces tyrosine 1303 with a stop codon.
Molecular consequence: nonsense.
Genome position (GRCh38, 1-based): chr10:53,840,394, G>T on the plus strand (C>A on the coding strand, the complement: PCDH15 is on the minus strand). VCF-style: chr10-53840394-G-T. GRCh37 (hg19) VCF-style: chr10-55600154-G-T.
Other names: c.3924C>A, p.Tyr1308Ter (NM_001142763.2, NM_001142771.2); c.3909C>A, p.Tyr1303Ter (NM_001142764.2, NM_001142766.2, NM_001142770.3 and 4 more transcripts); c.3696C>A, p.Tyr1232Ter (NM_001142765.2); c.3798C>A, p.Tyr1266Ter (NM_001142767.2); c.3843C>A, p.Tyr1281Ter (NM_001142768.2, NM_001142773.2, NM_001354404.2); c.3945C>A, p.Tyr1315Ter (NM_001142769.4); c.3930C>A, p.Tyr1310Ter (NM_001354411.2); short protein forms Y1232*, Y1266*, Y1281*, Y1303*, Y1308*, Y1310*, Y1315*.
Identifiers: ClinVar variation 5013222 (VCV005013222.1).

ClinVar aggregate classification (germline): Pathogenic (1 of 4 stars; one submission).

Conditions:
Usher syndrome type 1F (USH1F). Also called: USHER SYNDROME, TYPE IF. Identifiers: Orphanet 231169, Orphanet 886, MedGen C1865885, MONDO:0011186, OMIM 602083.

Submission:

Myriad Genetics, Inc.
Classification: Pathogenic for Usher syndrome type 1F. Last evaluated: 2024-06-23. Review status: criteria provided, single submitter. Criteria: Myriad Autosomal Dominant, Autosomal Recessive and X-Linked Classification Criteria (2023). Collection method: clinical testing. Allele origin: unknown.
Comment: NM_033056.3(PCDH15):c.3909C>A(Y1303*) is expected to be pathogenic in the context of PCDH15-related disorders. This variant is predicted to lead to an abnormal or absent protein product due to the creation of a premature termination codon in PCDH15, a gene where loss-of-function variants are known to be pathogenic. Please note: this variant was assessed in the context of healthy population screening.